The following is an entry in ClinVar:

NM_016203.4(PRKAG2):c.238G>A (p.Gly80Ser)

Gene: PRKAG2 (protein kinase AMP-activated non-catalytic subunit gamma 2; minus strand). Cytogenetic location: 7q36.1.
Variant type: single nucleotide variant.
Coding change: c.238G>A on transcript NM_016203.4 (MANE Select); coding-DNA position 238, G replaced by A.
Protein change: p.Gly80Ser; replaces glycine 80 with serine.
Molecular consequence: missense variant.
Genome position (GRCh38, 1-based): chr7:151,781,380, C>T on the plus strand (G>A on the coding strand, the complement: PRKAG2 is on the minus strand). VCF-style: chr7-151781380-C-T. GRCh37 (hg19) VCF-style: chr7-151478466-C-T.
Other names: c.106G>A, p.Gly36Ser (NM_001040633.2, NM_001407024.1, NM_001407026.1 and 2 more transcripts); c.238G>A, p.Gly80Ser (NM_001407021.1, NM_001407022.1, NM_001407023.1 and 2 more transcripts); c.238G>A (NM_016203.3); short protein forms G80S, G36S.
Identifiers: ClinVar variation 2107373 (VCV002107373.5), dbSNP rs2537923424, ClinGen allele CA370069847.

ClinVar aggregate classification (germline): Uncertain significance. Review status: criteria provided, multiple submitters, no conflicts (2 of 4 stars). 2 submissions from 2 submitters: Uncertain significance (2). Last evaluated 2026-02-19.

Conditions:
Lethal congenital glycogen storage disease of heart. Also called: PHOSPHORYLASE KINASE DEFICIENCY OF HEART; GLYCOGEN STORAGE DISEASE OF HEART. Identifiers: Orphanet 439854, MedGen C1849813, MONDO:0009867, OMIM 261740.
Cardiovascular phenotype. Identifiers: MedGen CN230736.

Submissions (2):

Ambry Genetics
Classification: Uncertain significance for Cardiovascular phenotype. Last evaluated: 2026-02-19. Review status: criteria provided, single submitter. Criteria: Ambry Variant Classification Scheme 2023. Collection method: clinical testing. Allele origin: germline.
Comment: The p.G80S variant (also known as c.238G>A), located in coding exon 3 of the PRKAG2 gene, results from a G to A substitution at nucleotide position 238. The glycine at codon 80 is replaced by serine, an amino acid with similar properties. This amino acid position is conserved. In addition, this alteration is predicted to be tolerated by in silico analysis. Based on the available evidence, the clinical significance of this variant remains unclear.

Labcorp Genetics (formerly Invitae), Labcorp
Classification: Uncertain significance for Lethal congenital glycogen storage disease of heart. Last evaluated: 2025-05-02. Review status: criteria provided, single submitter. Criteria: Invitae Variant Classification Sherloc (09022015). Collection method: clinical testing. Allele origin: germline.
Comment: This sequence change replaces glycine, which is neutral and non-polar, with serine, which is neutral and polar, at codon 80 of the PRKAG2 protein (p.Gly80Ser). This variant is not present in population databases (gnomAD no frequency). This variant has not been reported in the literature in individuals affected with PRKAG2-related conditions. ClinVar contains an entry for this variant (Variation ID: 2107373). Invitae Evidence Modeling of protein sequence and biophysical properties (such as structural, functional, and spatial information, amino acid conservation, physicochemical variation, residue mobility, and thermodynamic stability) indicates that this missense variant is not expected to disrupt PRKAG2 protein function with a negative predictive value of 95%. In summary, the available evidence is currently insufficient to determine the role of this variant in disease. Therefore, it has been classified as a Variant of Uncertain Significance.